The following is an entry in ClinVar:

NM_006642.5(SDCCAG8):c.439A>G (p.Lys147Glu)

Gene: SDCCAG8 (SHH signaling and ciliogenesis regulator SDCCAG8; plus strand). Cytogenetic location: 1q43.
Variant type: single nucleotide variant.
Coding change: c.439A>G on transcript NM_006642.5 (MANE Select); coding-DNA position 439, A replaced by G.
Protein change: p.Lys147Glu; replaces lysine 147 with glutamic acid.
Molecular consequence: missense variant. On other transcripts: 5 prime UTR variant (3).
Genome position (GRCh38, 1-based): chr1:243,286,290, A>G. VCF-style: chr1-243286290-A-G. GRCh37 (hg19) VCF-style: chr1-243449592-A-G.
Other names: c.-674A>G (NM_001350246.2); c.-562A>G (NM_001350247.2); c.439A>G, p.Lys147Glu (NM_001350248.2); c.145A>G, p.Lys49Glu (NM_001350249.2); c.-935A>G (NM_001350251.2); short protein forms K147E, K49E.
Identifiers: ClinVar variation 2417416 (VCV002417416.3), dbSNP rs2069609399, ClinGen allele CA345477179.

ClinVar aggregate classification (germline): Uncertain significance. Review status: criteria provided, multiple submitters, no conflicts (2 of 4 stars). 2 submissions from 2 submitters: Uncertain significance (2). Last evaluated 2022-08-20.

Conditions:
Bardet-Biedl syndrome 16 (BBS16). Identifiers: Orphanet 110, MedGen C3889474, MONDO:0014444, OMIM 615993.
Senior-Loken syndrome 7 (SLSN7). Identifiers: Orphanet 3156, MedGen C3150877, MONDO:0013326, OMIM 613615.

Allele frequency attached by ClinVar (database versions not stated): TOPMed 0.00001.

Submissions (2):

Labcorp Genetics (formerly Invitae), Labcorp
Classification: Uncertain significance for Bardet-Biedl syndrome 16; Senior-Loken syndrome 7. Last evaluated: 2022-08-20. Review status: criteria provided, single submitter. Criteria: Invitae Variant Classification Sherloc (09022015). Collection method: clinical testing. Allele origin: germline.
Comment: This sequence change replaces lysine, which is basic and polar, with glutamic acid, which is acidic and polar, at codon 147 of the SDCCAG8 protein (p.Lys147Glu). This variant is not present in population databases (gnomAD no frequency). This variant has not been reported in the literature in individuals affected with SDCCAG8-related conditions. Algorithms developed to predict the effect of missense changes on protein structure and function are either unavailable or do not agree on the potential impact of this missense change (SIFT: "Tolerated"; PolyPhen-2: "Probably Damaging"; Align-GVGD: "Class C0"). In summary, the available evidence is currently insufficient to determine the role of this variant in disease. Therefore, it has been classified as a Variant of Uncertain Significance.

Blueprint Genetics
Classification: Uncertain significance. Last evaluated: 2019-11-28. Review status: criteria provided, single submitter. Criteria: ACMG Guidelines, 2015. Collection method: clinical testing. Allele origin: germline.